The following is an entry in ClinVar:

ClinVar aggregate classification (germline): Likely pathogenic (1 of 4 stars; one submission).

Conditions:
Joubert syndrome. Also called: CEREBELLOPARENCHYMAL DISORDER IV; JOUBERT-BOLTSHAUSER SYNDROME; Familial aplasia of the vermis. Identifiers: Orphanet 475, MedGen C5979921, MONDO:0018772.
Nephronophthisis. Also called: Juvenile Nephronophthisis. Identifiers: Orphanet 655, MedGen C0687120, MONDO:0019005, HP:0000090.
Meckel-Gruber syndrome. Also called: DYSENCEPHALIA SPLANCHNOCYSTICA; GRUBER SYNDROME; Dysencephalia splachnocystica. Identifiers: Orphanet 564, MedGen C0265215, MONDO:0018921.

Allele frequency attached by ClinVar (database versions not stated): gnomAD exomes 0.00002.
gnomAD v4.1: 19 of 1,445,958 alleles (0.0013%); highest among the groups gnomAD compares: Non-Finnish European, 0.0018%; no homozygotes.

Submission:

Labcorp Genetics (formerly Invitae), Labcorp
Classification: Likely pathogenic for Joubert syndrome; Meckel-Gruber syndrome; Nephronophthisis. Last evaluated: 2023-09-05. Review status: criteria provided, single submitter. Criteria: Invitae Variant Classification Sherloc (09022015). Collection method: clinical testing. Allele origin: germline.
Comment: In summary, the currently available evidence indicates that the variant is pathogenic, but additional data are needed to prove that conclusively. Therefore, this variant has been classified as Likely Pathogenic. Algorithms developed to predict the effect of sequence changes on RNA splicing suggest that this variant may disrupt the consensus splice site. This variant has not been reported in the literature in individuals affected with CEP290-related conditions. This variant is not present in population databases (gnomAD no frequency). This sequence change affects a donor splice site in intron 27 of the CEP290 gene. It is expected to disrupt RNA splicing. Variants that disrupt the donor or acceptor splice site typically lead to a loss of protein function (PMID: 16199547), and loss-of-function variants in CEP290 are known to be pathogenic (PMID: 16909394, 17345604, 20690115).

Literature cited by the submitters: PubMed 16199547; PubMed 16909394; PubMed 17345604; PubMed 20690115.

NM_025114.4(CEP290):c.3103+1G>A

Gene: CEP290 (centrosomal protein 290; minus strand). Cytogenetic location: 12q21.32.
Variant type: single nucleotide variant.
Coding change: c.3103+1G>A on transcript NM_025114.4 (MANE Select); the canonical splice donor site of the intron after coding-DNA position 3103, G replaced by A.
Molecular consequence: splice donor variant.
Genome position (GRCh38, 1-based): chr12:88,096,887, C>T on the plus strand (G>A on the coding strand, the complement: CEP290 is on the minus strand). VCF-style: chr12-88096887-C-T. GRCh37 (hg19) VCF-style: chr12-88490664-C-T.
Identifiers: ClinVar variation 2931324 (VCV002931324.3), dbSNP rs1592550848, ClinGen allele CA386006783.